The following is an entry in ClinVar:

NM_000548.5(TSC2):c.3056A>G (p.His1019Arg)

Gene: TSC2 (TSC complex subunit 2; plus strand). Cytogenetic location: 16p13.3.
Variant type: single nucleotide variant.
Coding change: c.3056A>G on transcript NM_000548.5 (MANE Select); coding-DNA position 3056, A replaced by G.
Protein change: p.His1019Arg; replaces histidine 1019 with arginine.
Molecular consequence: missense variant.
Genome position (GRCh38, 1-based): chr16:2,079,121, A>G. VCF-style: chr16-2079121-A-G. GRCh37 (hg19) VCF-style: chr16-2129122-A-G.
Other names: c.2924A>G, p.His975Arg (NM_001077183.3, NM_001370404.1); c.3056A>G, p.His1019Arg (NM_001114382.3); c.2816A>G, p.His939Arg (NM_001318827.2); c.2780A>G, p.His927Arg (NM_001318829.2); c.2324A>G, p.His775Arg (NM_001318831.2); c.2957A>G, p.His986Arg (NM_001318832.2); c.2927A>G, p.His976Arg (NM_001363528.2, NM_001370405.1, NM_021055.3); short protein forms H1019R, H775R, H927R, H976R, H986R, H939R, H975R.
Identifiers: ClinVar variation 822741 (VCV000822741.18), dbSNP rs1555510317, ClinGen allele CA394284354.

ClinVar aggregate classification (germline): Uncertain significance. Review status: criteria provided, multiple submitters, no conflicts (2 of 4 stars). 4 submissions from 4 submitters: Uncertain significance (4). Last evaluated 2026-07-02.

Conditions:
Tuberous sclerosis 2 (TSC2). Identifiers: Orphanet 805, MedGen C1860707, MONDO:0013199, OMIM 613254.
Hereditary cancer-predisposing syndrome. Also called: Tumor predisposition; Hereditary neoplastic syndrome; Neoplastic Syndromes, Hereditary; Hereditary Cancer Syndrome. Identifiers: Orphanet 140162, MedGen C0027672, MeSH D009386, MONDO:0015356.
Tuberous sclerosis syndrome (TSC). Also called: Tuberous Sclerosis Complex; Tuberous sclerosis. Identifiers: Orphanet 805, MedGen C0041341, MONDO:0001734.

Submissions (4):

Ambry Genetics
Classification: Uncertain significance for Hereditary cancer-predisposing syndrome. Last evaluated: 2026-07-02. Review status: criteria provided, single submitter. Criteria: Ambry Variant Classification Scheme 2023. Collection method: clinical testing. Allele origin: germline.
Comment: The p.H1019R variant (also known as c.3056A>G), located in coding exon 26 of the TSC2 gene, results from an A to G substitution at nucleotide position 3056. The histidine at codon 1019 is replaced by arginine, an amino acid with highly similar properties. This amino acid position is highly conserved in available vertebrate species. In addition, this alteration is predicted to be deleterious by in silico analysis. Based on the available evidence, the clinical significance of this variant remains unclear.

All of Us Research Program, National Institutes of Health
Classification: Uncertain significance for Tuberous sclerosis syndrome. Last evaluated: 2024-06-09. Review status: criteria provided, single submitter. Criteria: ACMG Guidelines, 2015. Collection method: clinical testing. Allele origin: germline. Inheritance: Autosomal dominant inheritance. Observed: 1 variant allele, 1 heterozygote.
Comment: This missense variant replaces histidine with arginine at codon 1019 of the TSC2 protein. Computational prediction suggests that this variant may have deleterious impact on protein structure and function (internally defined REVEL score threshold >= 0.7, PMID: 27666373). To our knowledge, functional studies have not been reported for this variant. This variant has not been reported in individuals affected with TSC2-related disorders in the literature. This variant has not been identified in the general population by the Genome Aggregation Database (gnomAD). The available evidence is insufficient to determine the role of this variant in disease conclusively. Therefore, this variant is classified as a Variant of Uncertain Significance.

This study involves interpretation of variants in research participants for the purpose of population health screening. Participant phenotype was not available at the time of variant classification. Additional details can be found in publication PMID: 35346344, PMCID: PMC8962531

Genome-Nilou Lab
Classification: Uncertain significance for Tuberous sclerosis 2. Last evaluated: 2021-11-07. Review status: criteria provided, single submitter. Criteria: ACMG Guidelines, 2015. Collection method: clinical testing. Allele origin: germline. Affected: no.

Labcorp Genetics (formerly Invitae), Labcorp
Classification: Uncertain significance for Tuberous sclerosis 2. Last evaluated: 2019-08-03. Review status: criteria provided, single submitter. Criteria: Invitae Variant Classification Sherloc (09022015). Collection method: clinical testing. Allele origin: germline.
Comment: Algorithms developed to predict the effect of missense changes on protein structure and function are either unavailable or do not agree on the potential impact of this missense change (SIFT: "Deleterious"; PolyPhen-2: "Probably Damaging"; Align-GVGD: "Class C0"). In summary, the available evidence is currently insufficient to determine the role of this variant in disease. Therefore, it has been classified as a Variant of Uncertain Significance. This variant has not been reported in the literature in individuals with TSC2-related conditions. This variant is not present in population databases (ExAC no frequency). This sequence change replaces histidine with arginine at codon 1019 of the TSC2 protein (p.His1019Arg). The histidine residue is highly conserved and there is a small physicochemical difference between histidine and arginine.